The following is an entry in ClinVar:

ClinVar aggregate classification (germline): Uncertain significance (1 of 4 stars; one submission).

Allele frequency attached by ClinVar (database versions not stated): gnomAD exomes below 0.00001; ExAC 0.00001.
gnomAD v4.1: 2 of 1,610,834 alleles (0.00012%); highest among the groups gnomAD compares: Non-Finnish European, 0.00017%; no homozygotes.

Submission:

Labcorp Genetics (formerly Invitae), Labcorp
Classification: Uncertain significance. Last evaluated: 2023-11-13. Review status: criteria provided, single submitter. Criteria: Invitae Variant Classification Sherloc (09022015). Collection method: clinical testing. Allele origin: germline.
Comment: This sequence change replaces methionine, which is neutral and non-polar, with leucine, which is neutral and non-polar, at codon 829 of the PACS2 protein (p.Met829Leu). This variant is present in population databases (rs781827237, gnomAD 0.0009%). This variant has not been reported in the literature in individuals affected with PACS2-related conditions. An algorithm developed to predict the effect of missense changes on protein structure and function (PolyPhen-2) suggests that this variant is likely to be disruptive. In summary, the available evidence is currently insufficient to determine the role of this variant in disease. Therefore, it has been classified as a Variant of Uncertain Significance.

NM_001100913.3(PACS2):c.2485A>T (p.Met829Leu)

Gene: PACS2 (phosphofurin acidic cluster sorting protein 2; plus strand). Cytogenetic location: 14q32.33.
Variant type: single nucleotide variant.
Coding change: c.2485A>T on transcript NM_001100913.3 (MANE Select); coding-DNA position 2485, A replaced by T.
Protein change: p.Met829Leu; replaces methionine 829 with leucine.
Molecular consequence: missense variant.
Genome position (GRCh38, 1-based): chr14:105,393,224, A>T. VCF-style: chr14-105393224-A-T. GRCh37 (hg19) VCF-style: chr14-105859561-A-T.
Other names: c.2215A>T, p.Met739Leu (NM_001243127.3); c.2440A>T, p.Met814Leu (NM_015197.4); short protein forms M829L, M814L, M739L.
Identifiers: ClinVar variation 2695405 (VCV002695405.3), dbSNP rs781827237, ClinGen allele CA7389308.